The following is an entry in ClinVar:

ClinVar aggregate classification (germline): Uncertain significance. Review status: criteria provided, multiple submitters, no conflicts (2 of 4 stars). 2 submissions from 2 submitters: Uncertain significance (2). Last evaluated 2024-04-17.

Conditions:
MICAL1-related Lateral temporal epilepsy.

Allele frequency attached by ClinVar (database versions not stated): 1000 Genomes Project 0.00020; 1000 Genomes Project 30x 0.00031.
gnomAD v4.1: 7 of 1,613,782 alleles (0.00043%); highest among the groups gnomAD compares: East Asian, 0.0022%; no homozygotes.

Submissions (2):

Labcorp Genetics (formerly Invitae), Labcorp
Classification: Uncertain significance. Last evaluated: 2024-04-17. Review status: criteria provided, single submitter. Criteria: Invitae Variant Classification Sherloc (09022015). Collection method: clinical testing. Allele origin: germline.
Comment: This sequence change replaces valine, which is neutral and non-polar, with leucine, which is neutral and non-polar, at codon 327 of the MICAL1 protein (p.Val327Leu). This variant is present in population databases (rs560383669, gnomAD 0.006%). This variant has not been reported in the literature in individuals affected with MICAL1-related conditions. ClinVar contains an entry for this variant (Variation ID: 2502200). An algorithm developed to predict the effect of missense changes on protein structure and function (PolyPhen-2) suggests that this variant is likely to be disruptive. In summary, the available evidence is currently insufficient to determine the role of this variant in disease. Therefore, it has been classified as a Variant of Uncertain Significance.

New York Genome Center
Classification: Uncertain significance for MICAL1-related lateral temporal epilepsy. Last evaluated: 2022-08-31. Review status: criteria provided, single submitter. Criteria: NYGC Assertion Criteria 2020. Collection method: clinical testing. Allele origin: inherited. Observed: 1 heterozygote.

NM_022765.4(MICAL1):c.922G>T (p.Val308Leu)

Gene: MICAL1 (microtubule associated monooxygenase, calponin and LIM domain containing 1; minus strand). Cytogenetic location: 6q21.
Variant type: single nucleotide variant.
Coding change: c.922G>T on transcript NM_022765.4 (MANE Select); coding-DNA position 922, G replaced by T.
Protein change: p.Val308Leu; replaces valine 308 with leucine.
Molecular consequence: missense variant.
Genome position (GRCh38, 1-based): chr6:109,451,611, C>A on the plus strand (G>T on the coding strand, the complement: MICAL1 is on the minus strand). VCF-style: chr6-109451611-C-A. GRCh37 (hg19) VCF-style: chr6-109772814-C-A.
Other names: c.922G>T, p.Val308Leu (NM_001159291.2); c.979G>T, p.Val327Leu (NM_001286613.2); short protein forms V308L, V327L.
Identifiers: ClinVar variation 2502200 (VCV002502200.4), dbSNP rs560383669, ClinGen allele CA145121805.